The following is an entry in ClinVar:

ClinVar aggregate classification (germline): Uncertain significance (1 of 4 stars; one submission).

Conditions:
Lymphatic malformation 7 (LMPHM7). Also called: Hydrops fetalis, nonimmune, and/or atrial septal defect, susceptibility to. Identifiers: MedGen C4310629, MONDO:0015009, OMIM 617300.

gnomAD v4.1: 1 of 1,568,810 alleles (0.000064%); no homozygotes.

Submission:

3billion
Classification: Uncertain significance for Lymphatic malformation 7. Last evaluated: 2025-01-22. Review status: criteria provided, single submitter. Criteria: ACMG Guidelines, 2015. Collection method: clinical testing. Allele origin: germline. Affected: yes.
Comment: The variant is observed at an extremely low frequency in the gnomAD v4.1.0 dataset (total allele frequency: <0.001%). Predicted Consequence/Location: Missense variant In silico tool predictions suggest damaging effect of the variant on gene or gene product [REVEL: 0.70 (>=0.6, sensitivity 0.68 and specificity 0.92)]. Therefore, this variant is classified as VUS according to the recommendation of ACMG/AMP guideline.

NM_004444.5(EPHB4):c.1055G>T (p.Arg352Leu)

Gene: EPHB4 (EPH receptor B4; minus strand). Cytogenetic location: 7q22.1.
Variant type: single nucleotide variant.
Coding change: c.1055G>T on transcript NM_004444.5 (MANE Select); coding-DNA position 1055, G replaced by T.
Protein change: p.Arg352Leu; replaces arginine 352 with leucine.
Molecular consequence: missense variant.
Genome position (GRCh38, 1-based): chr7:100,819,799, C>A on the plus strand (G>T on the coding strand, the complement: EPHB4 is on the minus strand). VCF-style: chr7-100819799-C-A. GRCh37 (hg19) VCF-style: chr7-100417421-C-A.
Other names: short protein forms R352L.
Identifiers: ClinVar variation 4293454 (VCV004293454.1).
Genomic context (GRCh38, chr7:100,819,799, plus strand): 5'-GGCGCACAGGAGCCTCCGGGTCGGCACTCCCGGCAGCGGAGGGCGTAGGTGAGGTCCTCT[C>A]GGCCACCAGACTCCAGGGGGGCACTCCATTCCAGGTGCAGGGAGGAGCCGTTCAGGCGGG-3'
Protein context (NP_004435.3, residues 342-362): EWSAPLESGG[Arg352Leu]EDLTYALRCR